The following is an entry in ClinVar:

ClinVar aggregate classification (germline): Likely benign. Review status: criteria provided, multiple submitters, no conflicts (2 of 4 stars). 2 submissions from 2 submitters: Likely benign (2). Last evaluated 2025-12-15.

Allele frequency attached by ClinVar (database versions not stated): gnomAD 0.00003; TOPMed 0.00006; ESP Exome Variant Server 0.00008; gnomAD exomes 0.00008; ExAC 0.00009.

Submissions (2):

Labcorp Genetics (formerly Invitae), Labcorp
Classification: Likely benign. Last evaluated: 2025-12-15. Review status: criteria provided, single submitter. Criteria: Invitae Variant Classification Sherloc (09022015). Collection method: clinical testing. Allele origin: germline.

CeGaT Center for Human Genetics Tuebingen
Classification: Likely benign. Last evaluated: 2022-03-01. Review status: criteria provided, single submitter. Criteria: CeGaT Center For Human Genetics Tuebingen Variant Classification Criteria Version 2. Collection method: clinical testing. Allele origin: germline. Affected: yes. Observed: 1 variant allele.
Comment: DCHS1: BP4, BP7

NM_003737.4(DCHS1):c.1872C>T (p.Ser624=)

Gene: DCHS1 (dachsous cadherin-related 1; minus strand). Cytogenetic location: 11p15.4.
Variant type: single nucleotide variant.
Coding change: c.1872C>T on transcript NM_003737.4 (MANE Select); coding-DNA position 1872, C replaced by T.
Protein change: p.Ser624=; no amino-acid change (serine 624 retained).
Molecular consequence: synonymous variant.
Genome position (GRCh38, 1-based): chr11:6,634,232, G>A on the plus strand (C>T on the coding strand, the complement: DCHS1 is on the minus strand). VCF-style: chr11-6634232-G-A. GRCh37 (hg19) VCF-style: chr11-6655463-G-A.
Identifiers: ClinVar variation 2173985 (VCV002173985.28), dbSNP rs370296983, ClinGen allele CA5860870.